The following is an entry in ClinVar:

ClinVar aggregate classification (germline): Uncertain significance (1 of 4 stars; one submission).

Conditions:
Hereditary cancer-predisposing syndrome. Also called: Hereditary neoplastic syndrome; Neoplastic Syndromes, Hereditary; Tumor predisposition; Hereditary Cancer Syndrome. Identifiers: Orphanet 140162, MedGen C0027672, MeSH D009386, MONDO:0015356.

Submission:

Ambry Genetics
Classification: Uncertain significance for Hereditary cancer-predisposing syndrome. Last evaluated: 2025-03-05. Review status: criteria provided, single submitter. Criteria: Ambry Variant Classification Scheme 2023. Collection method: clinical testing. Allele origin: germline.
Comment: The p.G312C variant (also known as c.934G>T), located in coding exon 11 of the BAP1 gene, results from a G to T substitution at nucleotide position 934. The glycine at codon 312 is replaced by cysteine, an amino acid with highly dissimilar properties. This amino acid position is conserved. In addition, this alteration is predicted to be tolerated by in silico analysis. Based on the available evidence, the clinical significance of this variant remains unclear.

NM_004656.4(BAP1):c.934G>T (p.Gly312Cys)

Gene: BAP1 (BRCA1 associated deubiquitinase 1; minus strand). Cytogenetic location: 3p21.1.
Variant type: single nucleotide variant.
Coding change: c.934G>T on transcript NM_004656.4 (MANE Select); coding-DNA position 934, G replaced by T.
Protein change: p.Gly312Cys; replaces glycine 312 with cysteine.
Molecular consequence: missense variant.
Genome position (GRCh38, 1-based): chr3:52,405,292, C>A on the plus strand (G>T on the coding strand, the complement: BAP1 is on the minus strand). VCF-style: chr3-52405292-C-A. GRCh37 (hg19) VCF-style: chr3-52439308-C-A.
Other names: c.880G>T, p.Gly294Cys (NM_001410772.1); short protein forms G312C, G294C.
Identifiers: ClinVar variation 3819346 (VCV003819346.1).
Genomic context (GRCh38, chr3:52,405,292, plus strand): 5'-GTTTGTTGGGAGGGCTGTGGGATGGGGCTTGTGCGCATGAACCAGCCGCCTCCTCTGCAC[C>A]ATCTGAGACAGGGCAAGAACACAGGCAGGACCTCCAGTAGGATCTCCAAGAAAAGCTCAC-3'
Protein context (NP_004647.1, residues 302-322): PAASEGNHTD[Gly312Cys]AEEAAGSCAQ